The following is an entry in ClinVar:

ClinVar aggregate classification (germline): Likely benign. Review status: criteria provided, multiple submitters, no conflicts (2 of 4 stars). 2 submissions from 2 submitters: Likely benign (2). Last evaluated 2026-01-01.

Allele frequency attached by ClinVar (database versions not stated): gnomAD exomes below 0.00001.
gnomAD v4.1: 2 of 1,613,794 alleles (0.00012%); highest among the groups gnomAD compares: Non-Finnish European, 0.00017%; no homozygotes.

Submissions (2):

CeGaT Center for Human Genetics Tuebingen
Classification: Likely benign. Last evaluated: 2026-01-01. Review status: criteria provided, single submitter. Criteria: CeGaT Center For Human Genetics Tuebingen Variant Classification Criteria Version 2. Collection method: clinical testing. Allele origin: germline. Affected: yes. Observed: 1 variant allele.
Comment: COQ8A: BP4, BP7

Labcorp Genetics (formerly Invitae), Labcorp
Classification: Likely benign. Last evaluated: 2022-07-05. Review status: criteria provided, single submitter. Criteria: Invitae Variant Classification Sherloc (09022015). Collection method: clinical testing. Allele origin: germline.

NM_020247.5(COQ8A):c.1410C>T (p.Asn470=)

Gene: COQ8A (coenzyme Q8A; plus strand). Cytogenetic location: 1q42.13.
Variant type: single nucleotide variant.
Coding change: c.1410C>T on transcript NM_020247.5 (MANE Select); coding-DNA position 1410, C replaced by T.
Protein change: p.Asn470=; no amino-acid change (asparagine 470 retained).
Molecular consequence: synonymous variant.
Genome position (GRCh38, 1-based): chr1:226,984,559, C>T. VCF-style: chr1-226984559-C-T. GRCh37 (hg19) VCF-style: chr1-227172260-C-T.
Identifiers: ClinVar variation 1553518 (VCV001553518.12), dbSNP rs1659956153, ClinGen allele CA423528340.